The following is an entry in ClinVar:

NM_033380.3(COL4A5):c.2419C>A (p.Pro807Thr)

Gene: COL4A5 (collagen type IV alpha 5 chain; plus strand). Cytogenetic location: Xq22.3.
Variant type: single nucleotide variant.
Coding change: c.2419C>A on transcript NM_033380.3 (MANE Select); coding-DNA position 2419, C replaced by A.
Protein change: p.Pro807Thr; replaces proline 807 with threonine.
Molecular consequence: missense variant.
Genome position (GRCh38, 1-based): chrX:108,614,934, C>A. VCF-style: chrX-108614934-C-A. GRCh37 (hg19) VCF-style: chrX-107858164-C-A.
Other names: c.2419C>A, p.Pro807Thr (NM_000495.5); short protein forms P807T.
Identifiers: ClinVar variation 3368637 (VCV003368637.1).

ClinVar aggregate classification (germline): Uncertain significance (1 of 4 stars; one submission).

gnomAD v4.1: 1 of 1,209,355 alleles (0.000083%); highest among the groups gnomAD compares: Non-Finnish European, 0.00011%; no homozygotes.

Submission:

GeneDx
Classification: Uncertain significance. Last evaluated: 2024-02-05. Review status: criteria provided, single submitter. Criteria: GeneDx Variant Classification Process June 2021. Collection method: clinical testing. Allele origin: germline. Affected: yes.
Comment: In silico analysis supports that this missense variant has a deleterious effect on protein structure/function; Not observed at significant frequency in large population cohorts (gnomAD); Has not been previously published as pathogenic or benign to our knowledge